The following is an entry in ClinVar:

NC_000020.10:g.(?_3891204)_(3893301_?)del

Gene: PANK2 (pantothenate kinase 2; plus strand). Cytogenetic location: 20p13.
Variant type: Deletion.
Identifiers: ClinVar variation 2427436 (VCV002427436.4).

ClinVar aggregate classification (germline): Pathogenic (1 of 4 stars; one submission).

Conditions:
Pigmentary pallidal degeneration (NBIA1). Also called: Pantothenate Kinase-Associated Neurodegeneration; Neuroaxonal dystrophy, late infantile; Hallervorden-Spatz disease; HARP SYNDROME; PKAN NEUROAXONAL DYSTROPHY, JUVENILE-ONSET; Neurodegeneration with brain iron accumulation 1. Identifiers: Orphanet 157850, MedGen C0018523, MONDO:0009319, OMIM 234200.

Submission:

Labcorp Genetics (formerly Invitae), Labcorp
Classification: Pathogenic for Pigmentary pallidal degeneration. Last evaluated: 2024-01-18. Review status: criteria provided, single submitter. Criteria: Invitae Variant Classification Sherloc (09022015). Collection method: clinical testing. Allele origin: germline.
Comment: This variant is a gross deletion of the genomic region encompassing exon(s) 3-4 of the PANK2 gene. This deletion is out-of-frame, and is expected to create a premature termination codon and result in an absent or disrupted protein product. Loss-of-function variants in PANK2 are known to be pathogenic (PMID: 11479594, 12510040). A similar copy number variant has been observed in individual(s) with neurodegeneration with brain iron accumulation (PMID: 16437574). For these reasons, this variant has been classified as Pathogenic.

Literature cited by the submitters: PubMed 11479594; PubMed 12510040; PubMed 16437574.